The following is an entry in ClinVar:

NM_000051.4(ATM):c.6918T>G (p.Ser2306Arg)

Genes: ATM (ATM serine/threonine kinase; plus strand), C11orf65 (chromosome 11 open reading frame 65; minus strand). Cytogenetic location: 11q22.3.
Variant type: single nucleotide variant.
Coding change: c.6918T>G on transcript NM_000051.4 (MANE Select); coding-DNA position 6918, T replaced by G.
Protein change: p.Ser2306Arg; replaces serine 2306 with arginine.
Molecular consequence: missense variant. On other transcripts: intron variant (2).
Genome position (GRCh38, 1-based): chr11:108,326,168, T>G. VCF-style: chr11-108326168-T-G. GRCh37 (hg19) VCF-style: chr11-108196895-T-G.
Other names: c.6918T>G, p.Ser2306Arg (NM_001351834.2); c.641-17097A>C (NM_001330368.2); c.*38+9052A>C (NM_001351110.2); short protein forms S2306R.
Identifiers: ClinVar variation 4747250 (VCV004747250.1).

ClinVar aggregate classification (germline): Uncertain significance (1 of 4 stars; one submission).

Conditions:
Ataxia-telangiectasia syndrome (AT). Also called: LOUIS-BAR SYNDROME; Cerebello-oculocutaneous telangiectasia; Immunodeficiency with ataxia telangiectasia; Ataxia-telangiectasia, complementation group D; AT, COMPLEMENTATION GROUP C; ATAXIA-TELANGIECTASIA, COMPLEMENTATION GROUP A. Identifiers: Orphanet 100, MedGen C0004135, MONDO:0008840, OMIM 208900.

Submission:

Labcorp Genetics (formerly Invitae), Labcorp
Classification: Uncertain significance for Ataxia-telangiectasia syndrome. Last evaluated: 2025-04-10. Review status: criteria provided, single submitter. Criteria: Invitae Variant Classification Sherloc (09022015). Collection method: clinical testing. Allele origin: germline.
Comment: This sequence change replaces serine, which is neutral and polar, with arginine, which is basic and polar, at codon 2306 of the ATM protein (p.Ser2306Arg). This variant is not present in population databases (gnomAD no frequency). This variant has not been reported in the literature in individuals affected with ATM-related conditions. Invitae Evidence Modeling of protein sequence and biophysical properties (such as structural, functional, and spatial information, amino acid conservation, physicochemical variation, residue mobility, and thermodynamic stability) indicates that this missense variant is not expected to disrupt ATM protein function with a negative predictive value of 95%. In summary, the available evidence is currently insufficient to determine the role of this variant in disease. Therefore, it has been classified as a Variant of Uncertain Significance.